The following is an entry in ClinVar:

ClinVar aggregate classification (germline): Uncertain significance (1 of 4 stars; one submission).

Submission:

Labcorp Genetics (formerly Invitae), Labcorp
Classification: Uncertain significance. Last evaluated: 2022-04-15. Review status: criteria provided, single submitter. Criteria: Invitae Variant Classification Sherloc (09022015). Collection method: clinical testing. Allele origin: germline.
Comment: In summary, the available evidence is currently insufficient to determine the role of this variant in disease. Therefore, it has been classified as a Variant of Uncertain Significance. Algorithms developed to predict the effect of missense changes on protein structure and function are either unavailable or do not agree on the potential impact of this missense change (SIFT: "Deleterious"; PolyPhen-2: "Probably Damaging"; Align-GVGD: "Class C0"). This variant has not been reported in the literature in individuals affected with WDR1-related conditions. This variant is not present in population databases (gnomAD no frequency). This sequence change replaces lysine, which is basic and polar, with glutamine, which is neutral and polar, at codon 95 of the WDR1 protein (p.Lys95Gln).

NM_017491.5(WDR1):c.283A>C (p.Lys95Gln)

Gene: WDR1 (WD repeat domain 1; minus strand). Cytogenetic location: 4p16.1.
Variant type: single nucleotide variant.
Coding change: c.283A>C on transcript NM_017491.5 (MANE Select); coding-DNA position 283, A replaced by C.
Protein change: p.Lys95Gln; replaces lysine 95 with glutamine.
Molecular consequence: missense variant. On other transcripts: intron variant (1).
Genome position (GRCh38, 1-based): chr4:10,099,086, T>G on the plus strand (A>C on the coding strand, the complement: WDR1 is on the minus strand). VCF-style: chr4-10099086-T-G. GRCh37 (hg19) VCF-style: chr4-10100710-T-G.
Other names: c.139-10345A>C (NM_005112.5); short protein forms K95Q.
Identifiers: ClinVar variation 1949690 (VCV001949690.5), dbSNP rs2547371881, ClinGen allele CA356363760.